The following is an entry in ClinVar:

NM_001001957.2(OR2W3):c.588A>T (p.Glu196Asp)

Gene: OR2W3 (olfactory receptor family 2 subfamily W member 3; plus strand). Cytogenetic location: 1q44.
Variant type: single nucleotide variant.
Coding change: c.588A>T on transcript NM_001001957.2 (MANE Select); coding-DNA position 588, A replaced by T.
Protein change: p.Glu196Asp; replaces glutamic acid 196 with aspartic acid.
Molecular consequence: missense variant.
Genome position (GRCh38, 1-based): chr1:247,896,174, A>T. VCF-style: chr1-247896174-A-T. GRCh37 (hg19) VCF-style: chr1-248059476-A-T.
Other names: short protein forms E196D.
Identifiers: ClinVar variation 2916702 (VCV002916702.3), dbSNP rs12139390, ClinGen allele CA1498643.

ClinVar aggregate classification (germline): Uncertain significance (1 of 4 stars; one submission).

Submission:

Labcorp Genetics (formerly Invitae), Labcorp
Classification: Uncertain significance. Last evaluated: 2024-10-08. Review status: criteria provided, single submitter. Criteria: Invitae Variant Classification Sherloc (09022015). Collection method: clinical testing. Allele origin: germline.
Comment: This sequence change replaces glutamic acid, which is acidic and polar, with aspartic acid, which is acidic and polar, at codon 196 of the OR2W3 protein (p.Glu196Asp). This variant is present in population databases (rs12139390, gnomAD 0.01%). This variant has not been reported in the literature in individuals affected with OR2W3-related conditions. An algorithm developed to predict the effect of missense changes on protein structure and function (PolyPhen-2) suggests that this variant is likely to be disruptive. In summary, the available evidence is currently insufficient to determine the role of this variant in disease. Therefore, it has been classified as a Variant of Uncertain Significance.